The following is an entry in ClinVar:

NM_006421.5(ARFGEF1):c.2857T>G (p.Trp953Gly)

Gene: ARFGEF1 (ARF guanine nucleotide exchange factor 1; minus strand). Cytogenetic location: 8q13.2.
Variant type: single nucleotide variant.
Coding change: c.2857T>G on transcript NM_006421.5 (MANE Select); coding-DNA position 2857, T replaced by G.
Protein change: p.Trp953Gly; replaces tryptophan 953 with glycine.
Molecular consequence: missense variant. On other transcripts: non-coding transcript variant (1).
Genome position (GRCh38, 1-based): chr8:67,240,284, A>C on the plus strand (T>G on the coding strand, the complement: ARFGEF1 is on the minus strand). VCF-style: chr8-67240284-A-C. GRCh37 (hg19) VCF-style: chr8-68152519-A-C.
Other names: c.2857T>G, p.Trp953Gly (NM_001413184.1, NM_001413185.1, NM_001413186.1 and 6 more transcripts); c.2257T>G, p.Trp753Gly (NM_001413188.1, NM_001413193.1, NM_001413197.1); c.2851T>G, p.Trp951Gly (NM_001413190.1); c.1432T>G, p.Trp478Gly (NM_001413196.1); short protein forms W478G, W753G, W951G, W953G.
Identifiers: ClinVar variation 2630940 (VCV002630940.1), dbSNP rs2491465344, ClinGen allele CA371209516.

ClinVar aggregate classification (germline): Uncertain significance (1 of 4 stars; one submission).

Conditions:
ARFGEF1-related disorder. Also called: ARFGEF1-related condition.

Submission:

PreventionGenetics, part of Exact Sciences
Classification: Uncertain significance for ARFGEF1-related condition. Last evaluated: 2023-08-30. Review status: criteria provided, single submitter. Criteria: ACMG Guidelines, 2015. Collection method: clinical testing. Allele origin: germline.
Comment: The ARFGEF1 c.2857T>G variant is predicted to result in the amino acid substitution p.Trp953Gly. To our knowledge, this variant has not been reported in the literature or in a large population database, indicating this variant is rare. At this time, the clinical significance of this variant is uncertain due to the absence of conclusive functional and genetic evidence.